The following is an entry in ClinVar:

ClinVar aggregate classification (germline): Benign/Likely benign. Review status: criteria provided, multiple submitters, no conflicts (2 of 4 stars). 4 submissions from 4 submitters: Benign (1); Likely benign (3). Last evaluated 2025-06-17.

Conditions:
Hereditary cancer-predisposing syndrome. Also called: Hereditary neoplastic syndrome; Neoplastic Syndromes, Hereditary; Tumor predisposition; Hereditary Cancer Syndrome. Identifiers: Orphanet 140162, MedGen C0027672, MeSH D009386, MONDO:0015356.
Familial adenomatous polyposis 1 (FAP1). Also called: POLYPOSIS, ADENOMATOUS INTESTINAL; FAMILIAL ADENOMATOUS POLYPOSIS 1, ATTENUATED. Identifiers: MedGen C2713442, MONDO:0021056, OMIM 175100. Disease mechanism: loss of function.

Submissions (4):

Color Diagnostics, LLC DBA Color Health
Classification: Likely benign for Hereditary cancer-predisposing syndrome. Last evaluated: 2025-06-17. Review status: criteria provided, single submitter. Criteria: ACMG Guidelines, 2015. Collection method: clinical testing. Allele origin: germline.

Labcorp Genetics (formerly Invitae), Labcorp
Classification: Likely benign for Familial adenomatous polyposis 1. Last evaluated: 2024-09-12. Review status: criteria provided, single submitter. Criteria: Invitae Variant Classification Sherloc (09022015). Collection method: clinical testing. Allele origin: germline.

Myriad Genetics, Inc.
Classification: Benign for Familial adenomatous polyposis 1. Last evaluated: 2024-02-27. Review status: criteria provided, single submitter. Criteria: Myriad Autosomal Dominant, Autosomal Recessive and X-Linked Classification Criteria (2023). Collection method: clinical testing. Allele origin: unknown.
Comment: This variant is considered benign. This variant is a silent/synonymous amino acid change and it is not expected to impact splicing.

Ambry Genetics
Classification: Likely benign for Hereditary cancer-predisposing syndrome. Last evaluated: 2022-04-24. Review status: criteria provided, single submitter. Criteria: Ambry Variant Classification Scheme 2023. Collection method: clinical testing. Allele origin: germline.

NM_000038.6(APC):c.846A>G (p.Thr282=)

Gene: APC (APC regulator of Wnt signaling pathway; plus strand). Cytogenetic location: 5q22.2.
Variant type: single nucleotide variant.
Coding change: c.846A>G on transcript NM_000038.6 (MANE Select); coding-DNA position 846, A replaced by G.
Protein change: p.Thr282=; no amino-acid change (threonine 282 retained).
Molecular consequence: synonymous variant. On other transcripts: 5 prime UTR variant (1).
Genome position (GRCh38, 1-based): chr5:112,815,506, A>G. VCF-style: chr5-112815506-A-G. GRCh37 (hg19) VCF-style: chr5-112151203-A-G.
Other names: c.846A>G, p.Thr282= (NM_001127510.3, NM_001354895.2, NM_001354896.2 and 1 more transcripts); c.792A>G, p.Thr264= (NM_001127511.3); c.876A>G, p.Thr292= (NM_001354897.2, NM_001354902.2); c.771A>G, p.Thr257= (NM_001354898.2, NM_001354904.2); c.762A>G, p.Thr254= (NM_001354899.2); c.669A>G, p.Thr223= (NM_001354900.2, NM_001354901.2, NM_001354905.2); c.-4A>G (NM_001354906.2).
Identifiers: ClinVar variation 470145 (VCV000470145.13), dbSNP rs1554079134, ClinGen allele CA445755677.
Genomic context (GRCh38, chr5:112,815,506, plus strand): 5'-ATTTACCTATAGTCTAAATTATACCATCTATAATGTGCTTAATTTTTAGGGTTCAACTAC[A>G]CGAATGGACCATGAAACAGCCAGTGTTTTGAGTTCTAGTAGCACACACTCTGCACCTCGA-3'
Protein context (NP_000029.2, residues 272-292): ATSGNGQGST[Thr282=]RMDHETASVL